The following is an entry in ClinVar:

ClinVar aggregate classification (germline): Uncertain significance (1 of 4 stars; one submission).

Conditions:
46,XY sex reversal 7. Also called: 46,XY GONADAL DYSGENESIS, PARTIAL OR COMPLETE, DHH-RELATED; GONADAL DYSGENESIS, XY, MALE-LIMITED; DHH-Related 46,XY complete gonadal dysgenesis; 46,XY SEX REVERSAL, PARTIAL OR COMPLETE, DHH-RELATED. Identifiers: Orphanet 242, MedGen C1856273, MONDO:0009301, OMIM 233420.

Submission:

Labcorp Genetics (formerly Invitae), Labcorp
Classification: Uncertain significance for 46,XY sex reversal 7. Last evaluated: 2021-08-30. Review status: criteria provided, single submitter. Criteria: Invitae Variant Classification Sherloc (09022015). Collection method: clinical testing. Allele origin: germline.
Comment: Algorithms developed to predict the effect of missense changes on protein structure and function are either unavailable or do not agree on the potential impact of this missense change (SIFT: "Tolerated"; PolyPhen-2: "Possibly Damaging"; Align-GVGD: "Class C0"). This sequence change replaces leucine with valine at codon 267 of the DHH protein (p.Leu267Val). The leucine residue is moderately conserved and there is a small physicochemical difference between leucine and valine. This variant is not present in population databases (ExAC no frequency). This variant has not been reported in the literature in individuals affected with DHH-related conditions. In summary, the available evidence is currently insufficient to determine the role of this variant in disease. Therefore, it has been classified as a Variant of Uncertain Significance.

NM_021044.4(DHH):c.799C>G (p.Leu267Val)

Gene: DHH (desert hedgehog signaling molecule; minus strand). Cytogenetic location: 12q13.12.
Variant type: single nucleotide variant.
Coding change: c.799C>G on transcript NM_021044.4 (MANE Select); coding-DNA position 799, C replaced by G.
Protein change: p.Leu267Val; replaces leucine 267 with valine.
Molecular consequence: missense variant.
Genome position (GRCh38, 1-based): chr12:49,090,251, G>C on the plus strand (C>G on the coding strand, the complement: DHH is on the minus strand). VCF-style: chr12-49090251-G-C. GRCh37 (hg19) VCF-style: chr12-49484034-G-C.
Other names: short protein forms L267V.
Identifiers: ClinVar variation 1378694 (VCV001378694.6), dbSNP rs2120822817, ClinGen allele CA384716754.
Genomic context (GRCh38, chr12:49,090,251, plus strand): 5'-CAAAGTCGCCTGGCGCGGGCGCCGGCCCTCGAGCGGCAAACACCAGGTGCCAGGGCGTGA[G>C]CAACAGTTTGCGTGGAGGCCACTCGGTCTCCACAGCCACAAATGAAGCCCGGCGCTGCAA-3'
Protein context (NP_066382.1, residues 257-277): ETEWPPRKLL[Leu267Val]TPWHLVFAAR